The following is an entry in ClinVar:

NM_001430.5(EPAS1):c.1433G>C (p.Ser478Thr)

Gene: EPAS1 (endothelial PAS domain protein 1; plus strand). Cytogenetic location: 2p21.
Variant type: single nucleotide variant.
Coding change: c.1433G>C on transcript NM_001430.5 (MANE Select); coding-DNA position 1433, G replaced by C.
Protein change: p.Ser478Thr; replaces serine 478 with threonine.
Molecular consequence: missense variant.
Genome position (GRCh38, 1-based): chr2:46,378,077, G>C. VCF-style: chr2-46378077-G-C. GRCh37 (hg19) VCF-style: chr2-46605216-G-C.
Other names: short protein forms S478T.
Identifiers: ClinVar variation 1772558 (VCV001772558.2), dbSNP rs2103667841, ClinGen allele CA346704075.

ClinVar aggregate classification (germline): Uncertain significance (1 of 4 stars; one submission).

Conditions:
Inborn genetic diseases. Identifiers: MedGen C0950123, MeSH D030342.

Submission:

Ambry Genetics
Classification: Uncertain significance for Inborn genetic diseases. Last evaluated: 2023-11-09. Review status: criteria provided, single submitter. Criteria: Ambry Variant Classification Scheme 2023. Collection method: clinical testing. Allele origin: germline.
Comment: The p.S478T variant (also known as c.1433G>C), located in coding exon 10 of the EPAS1 gene, results from a G to C substitution at nucleotide position 1433. The serine at codon 478 is replaced by threonine, an amino acid with similar properties. This amino acid position is conserved. In addition, this alteration is predicted to be tolerated by in silico analysis. Since supporting evidence is limited at this time, the clinical significance of this alteration remains unclear.